The following is an entry in ClinVar:

ClinVar aggregate classification (germline): Uncertain significance (1 of 4 stars; one submission).

gnomAD v4.1: 2 of 1,594,232 alleles (0.00013%); highest among the groups gnomAD compares: Non-Finnish European, 0.00017%; no homozygotes.

Submission:

GeneDx
Classification: Uncertain significance. Last evaluated: 2026-04-16. Review status: criteria provided, single submitter. Criteria: GeneDx Variant Classification Process June 2021. Collection method: clinical testing. Allele origin: germline.
Comment: Not observed at significant frequency in large population cohorts (gnomAD); In silico analysis suggests that this missense variant does not alter protein structure/function; Has not been previously published as pathogenic or benign to our knowledge

NM_001009944.3(PKD1):c.2449G>A (p.Val817Met)

Gene: PKD1 (polycystin 1, transient receptor potential channel interacting; minus strand). Cytogenetic location: 16p13.3.
Variant type: single nucleotide variant.
Coding change: c.2449G>A on transcript NM_001009944.3 (MANE Select); coding-DNA position 2449, G replaced by A.
Protein change: p.Val817Met; replaces valine 817 with methionine.
Molecular consequence: missense variant.
Genome position (GRCh38, 1-based): chr16:2,114,574, C>T on the plus strand (G>A on the coding strand, the complement: PKD1 is on the minus strand). VCF-style: chr16-2114574-C-T. GRCh37 (hg19) VCF-style: chr16-2164575-C-T.
Other names: c.2449G>A, p.Val817Met (NM_000296.4); short protein forms V817M.
Identifiers: ClinVar variation 5037112 (VCV005037112.1).